The following is an entry in ClinVar:

ClinVar aggregate classification (germline): Uncertain significance (1 of 4 stars; one submission).

Conditions:
Hereditary cancer-predisposing syndrome. Also called: Neoplastic Syndromes, Hereditary; Tumor predisposition; Hereditary Cancer Syndrome; Hereditary neoplastic syndrome. Identifiers: Orphanet 140162, MedGen C0027672, MeSH D009386, MONDO:0015356.

Submission:

Color Diagnostics, LLC DBA Color Health
Classification: Uncertain significance for Hereditary cancer-predisposing syndrome. Last evaluated: 2023-12-05. Review status: criteria provided, single submitter. Criteria: ACMG Guidelines, 2015. Collection method: clinical testing. Allele origin: germline.
Comment: This missense variant replaces proline with arginine at codon 3320 of the BRCA2 protein. Computational prediction suggests that this variant may not impact protein structure and function (internally defined REVEL score threshold <= 0.5, PMID: 27666373). To our knowledge, functional studies have not been reported for this variant. This variant has not been reported in individuals affected with BRCA2-related disorders in the literature. This variant has not been identified in the general population by the Genome Aggregation Database (gnomAD). The available evidence is insufficient to determine the role of this variant in disease conclusively. Therefore, this variant is classified as a Variant of Uncertain Significance.

NM_000059.4(BRCA2):c.9959C>G (p.Pro3320Arg)

Gene: BRCA2 (BRCA2 DNA repair associated; plus strand). Cytogenetic location: 13q13.1.
Variant type: single nucleotide variant.
Coding change: c.9959C>G on transcript NM_000059.4 (MANE Select); coding-DNA position 9959, C replaced by G.
Protein change: p.Pro3320Arg; replaces proline 3320 with arginine.
Molecular consequence: missense variant.
Genome position (GRCh38, 1-based): chr13:32,398,472, C>G. VCF-style: chr13-32398472-C-G. GRCh37 (hg19) VCF-style: chr13-32972609-C-G.
Other names: short protein forms P3320R.
Identifiers: ClinVar variation 920605 (VCV000920605.4), dbSNP rs2073053705, ClinGen allele CA387767386.
Genomic context (GRCh38, chr13:32,398,472, plus strand): 5'-CACCAAGGAGTTGTGGCACCAAATACGAAACACCCATAAAGAAAAAAGAACTGAATTCTC[C>G]TCAGATGACTCCATTTAAAAAATTCAATGAAATTTCTCTTTTGGAAAGTAATTCAATAGC-3'
Protein context (NP_000050.3, residues 3310-3330): TPIKKKELNS[Pro3320Arg]QMTPFKKFNE